The following is an entry in ClinVar:

ClinVar aggregate classification (germline): Uncertain significance (1 of 4 stars; one submission).

Allele frequency attached by ClinVar (database versions not stated): gnomAD exomes below 0.00001.
gnomAD v4.1: 1 of 1,613,946 alleles (0.000062%); highest among the groups gnomAD compares: East Asian, 0.0022%; no homozygotes.

Submission:

Labcorp Genetics (formerly Invitae), Labcorp
Classification: Uncertain significance. Last evaluated: 2023-05-22. Review status: criteria provided, single submitter. Criteria: Invitae Variant Classification Sherloc (09022015). Collection method: clinical testing. Allele origin: germline.
Comment: This sequence change replaces glutamic acid, which is acidic and polar, with valine, which is neutral and non-polar, at codon 43 of the ANKH protein (p.Glu43Val). This variant is present in population databases (no rsID available, gnomAD 0.006%). In summary, the available evidence is currently insufficient to determine the role of this variant in disease. Therefore, it has been classified as a Variant of Uncertain Significance. An algorithm developed to predict the effect of missense changes on protein structure and function (PolyPhen-2) suggests that this variant is likely to be disruptive. This variant has not been reported in the literature in individuals affected with ANKH-related conditions.

NM_054027.6(ANKH):c.128A>T (p.Glu43Val)

Gene: ANKH (ANKH inorganic pyrophosphate transport regulator; minus strand). Cytogenetic location: 5p15.2.
Variant type: single nucleotide variant.
Coding change: c.128A>T on transcript NM_054027.6 (MANE Select); coding-DNA position 128, A replaced by T.
Protein change: p.Glu43Val; replaces glutamic acid 43 with valine.
Molecular consequence: missense variant.
Genome position (GRCh38, 1-based): chr5:14,769,160, T>A on the plus strand (A>T on the coding strand, the complement: ANKH is on the minus strand). VCF-style: chr5-14769160-T-A. GRCh37 (hg19) VCF-style: chr5-14769269-T-A.
Other names: short protein forms E43V.
Identifiers: ClinVar variation 2867160 (VCV002867160.3), dbSNP rs1290217668, ClinGen allele CA359253878.